The following is an entry in ClinVar:

ClinVar aggregate classification (germline): Conflicting classifications of pathogenicity. Review status: criteria provided, conflicting classifications (1 of 4 stars). 9 submissions from 9 submitters: Pathogenic (2); Likely pathogenic (3); Uncertain significance (4). Last evaluated 2026-05-27.

Conditions:
Hereditary cancer-predisposing syndrome. Also called: Tumor predisposition; Hereditary Cancer Syndrome; Hereditary neoplastic syndrome; Neoplastic Syndromes, Hereditary. Identifiers: Orphanet 140162, MedGen C0027672, MeSH D009386, MONDO:0015356.
Hereditary breast ovarian cancer syndrome. Also called: Hereditary breast and ovarian cancer syndrome; Breast and ovarian cancer; Hereditary breast and ovarian cancer; Hereditary breast and/or ovarian cancer syndrome; BRCA1- and BRCA2-Associated Hereditary Breast and Ovarian Cancer; Hereditary breast and ovarian cancer syndrome (HBOC). Identifiers: Orphanet 145, MedGen C0677776, MeSH D061325, MONDO:0003582. Disease mechanism: loss of function.
Breast-ovarian cancer, familial, susceptibility to, 2 (BROVCA2). Also called: BRCA2 Hereditary Breast and Ovarian Cancer. Identifiers: Orphanet 145, MedGen C2675520, MONDO:0012933, OMIM 612555. Disease mechanism: loss of function.
Familial cancer of breast. Also called: Hereditary breast cancer; hereditary breast carcinoma; BREAST CANCER, FAMILIAL. Identifiers: Orphanet 227535, MedGen C0346153, MONDO:0016419, OMIM 114480. Disease mechanism: loss of function.

Allele frequency attached by ClinVar (database versions not stated): ExAC 0.00005; gnomAD 0.00001; gnomAD exomes 0.00003; TOPMed 0.00002.
gnomAD v4.1: 44 of 1,544,990 alleles (0.0028%); highest among the groups gnomAD compares: South Asian, 0.034%; 1 homozygote.

Submissions (9):

Ambry Genetics
Classification: Uncertain significance for Hereditary cancer-predisposing syndrome. Last evaluated: 2026-05-27. Review status: criteria provided, single submitter. Criteria: Ambry Variant Classification Scheme 2023. Collection method: clinical testing. Allele origin: germline.
Comment: The c.425G>A variant (also known as p.S142N), located in coding exon 3 of the BRCA2 gene, results from a G to A substitution at nucleotide position 425. The serine at codon 142 is replaced by asparagine, an amino acid with highly similar properties. However, this change occurs in the last base pair of coding exon 3, which makes it likely to have some effect on normal mRNA splicing. Based on data from gnomAD, the frequency for this variant is above the maximum credible frequency for a disease-causing variant in this gene based on internally established thresholds (Karczewski et al. Nature. 2020 May;581(7809):434-443; Whiffin et al. Genet Med. 2017 10;19:1151-1158). However, in silico splice site analysis predicts that this alteration will weaken the native splice donor site. RNA studies have demonstrated that this alteration results in abnormal splicing in the set of samples tested (Ambry internal data). Another variant at this position, BRCA2 c.425G>T, which has a similar splicing profile to this alteration, was able to rescue the growth defect in BRCA2-null mouse embryonic stem cells and those surviving cells maintained partial activity in a homology directed DNA repair functional assay (Mesman R et al. Genet Med 2020 Aug;22(8):1355-1365). BRCA2 c.425G>T was also identified in patients who collectively have a phenotype that is not consistent with a high risk BRCA2 pathogenic variant (Nix P et al. Fam Cancer, 2021 Jan). Since supporting evidence is conflicting at this time, the clinical significance of this alteration remains unclear.

Labcorp Genetics (formerly Invitae), Labcorp
Classification: Pathogenic for Hereditary breast ovarian cancer syndrome. Last evaluated: 2025-07-09. Review status: criteria provided, single submitter. Criteria: Invitae Variant Classification Sherloc (09022015). Collection method: clinical testing. Allele origin: germline.
Comment: This sequence change replaces serine, which is neutral and polar, with asparagine, which is neutral and polar, at codon 142 of the BRCA2 protein (p.Ser142Asn). RNA analysis indicates that this missense change induces altered splicing and may result in an absent or altered protein product. This variant is present in population databases (rs397507713, gnomAD 0.03%). This missense change has been observed in individual(s) with breast and/or ovarian cancer, prostate cancer (PMID: 21638052, 29446198, 32853339). ClinVar contains an entry for this variant (Variation ID: 197099). Based on a multifactorial likelihood algorithm using genetic, in silico, and/or statistical data, this variant has been determined to have a low probability of being pathogenic (PMID: 31131967). Variants that disrupt the consensus splice site are a relatively common cause of aberrant splicing (PMID: 17576681, 9536098). Studies have shown that this missense change results in skipping of exon 4, and produces a non-functional protein and/or introduces a premature termination codon (internal data). This variant disrupts the c.425G nucleotide in the BRCA2 gene. Other variant(s) that disrupt this nucleotide have been determined to be pathogenic (PMID: 21638052, 31131967). This suggests that this nucleotide is clinically significant, and that variants that disrupt this position are likely to be disease-causing. For these reasons, this variant has been classified as Pathogenic.

Women's Health and Genetics/Laboratory Corporation of America, LabCorp
Classification: Likely pathogenic for Hereditary breast ovarian cancer syndrome. Last evaluated: 2024-11-16. Review status: criteria provided, single submitter. Criteria: LabCorp Variant Classification Summary - May 2015. Collection method: clinical testing. Allele origin: germline.
Comment: Variant summary: BRCA2 c.425G>A (p.Ser142Asn) results in a conservative amino acid change in the encoded protein sequence. Three of five in-silico tools predict a damaging effect of the variant on protein function. As the variant alters the last conserved nucleotide of exon 4 adjacent to the canonical splice donor site, several computational tools predict a significant impact on normal splicing: Two predict the variant weakens the canonical 5' splicing donor site. Two predict the variant abolishes the canonical 5' splicing donor site. Studies have shown that this missense change affects mRNA splicing by skipping of exon 4 and introduces a premature termination codon (Internal data). The variant allele was found at a frequency of 3.2e-05 in 248562 control chromosomes. c.425G>A has been reported in the literature in settings of multigene panel testing in individuals affected with breast, renal, colorectal, or prostate cancers (examples: Feliubadalo_2019, Kemp_2019, Hartman_2020, Rebbeck_2018, Darst_2021). These data indicate that the variant is likely to be associated with disease. The following publications have been ascertained in the context of this evaluation (PMID: 32853339, 30927264, 32782288, 31125106, 29446198, Internal Data). ClinVar contains an entry for this variant (Variation ID: 197099). Based on the evidence outlined above, the variant was classified as likely pathogenic.

GeneDx
Classification: Uncertain significance. Last evaluated: 2024-08-28. Review status: criteria provided, single submitter. Criteria: GeneDx Variant Classification Process June 2021. Collection method: clinical testing. Allele origin: germline. Affected: yes.
Comment: A different exonic splice variant at this same splice site, c.425G>T, results in the production of multiple transcripts, including potentially functional in-frame transcripts (PMID: 21638052, 32398771, 33469799); In silico analysis indicates that this missense variant does not alter protein structure/function; Also known as 653G>A; This variant is associated with the following publications: (PMID: 21638052, 29446198, 31131967, 32782288, 33469799, 32398771, 32853339, 33471991, 29922827)

Baylor Genetics
Classification: Uncertain significance for Familial cancer of breast. Last evaluated: 2023-10-03. Review status: criteria provided, single submitter. Criteria: ACMG Guidelines, 2015. Collection method: clinical testing. Allele origin: unknown.

Color Diagnostics, LLC DBA Color Health
Classification: Uncertain significance for Hereditary cancer-predisposing syndrome. Last evaluated: 2023-06-14. Review status: criteria provided, single submitter. Criteria: ACMG Guidelines, 2015. Collection method: clinical testing. Allele origin: germline.
Comment: This missense variant replaces serine with asparagine at codon 142 of the BRCA2 protein. This variant alters the conserved c.G at the last nucleotide position of exon 4 to c.A. Splice prediction tools suggest that this variant is likely to disrupt RNA splicing. A different nucleotide change occurring at the same position c.425G>T is known to disrupt splicing of exon 4 (PMID: 21638052). However, the c.425G>T variant is reported to also produce some transcripts lacking exon 4 and downstream exon(s) that may retain some function (PMID: 32398771, 33469799). Functional and RNA studies have not been reported for this c.425G>A variant. This variant has been reported in an individual affected with breast and renal cancer (PMID: 32782288), an individual affected with prostate cancer (PMID: 32853339) and in a breast cancer case-control meta-analysis in 1/60466 cases and 1/53461 unaffected individuals (PMID: 33471991; Leiden Open Variation Database DB-ID BRCA2_003686). A multifactorial analysis has reported likelihood ratios for pathogenicity based on segregation and tumor pathology of 1.5539 and 0.89, respectively (PMID: 31131967). This variant has been identified in 8/248562 chromosomes in the general population by the Genome Aggregation Database (gnomAD). The available evidence is insufficient to determine the role of this variant in disease conclusively. Therefore, this variant is classified as a Variant of Uncertain Significance.

Quest Diagnostics Nichols Institute San Juan Capistrano
Classification: Likely pathogenic. Last evaluated: 2019-06-19. Review status: criteria provided, single submitter. Criteria: Quest Diagnostics criteria. Collection method: clinical testing. Allele origin: germline.
Comment: The best available variant frequency is uninformative because it is below the disease allele frequency. Found in at least one symptomatic patient. Predicted to have a damaging effect on the protein. One other pathogenic or likely pathogenic variant affects the same amino acid. Predicted to negatively affect a known splice site.

Eurofins Ntd Llc (ga)
Classification: Likely pathogenic. Last evaluated: 2016-02-17. Review status: criteria provided, single submitter. Criteria: EGL Classification Definitions 2015. Collection method: clinical testing. Allele origin: germline. Observed: 1 variant allele, 1 heterozygote.

Consortium of Investigators of Modifiers of BRCA1/2 (CIMBA), c/o University of Cambridge
Classification: Pathogenic for Breast-ovarian cancer, familial, susceptibility to, 2. Last evaluated: 2015-10-02. Review status: criteria provided, single submitter. Criteria: CIMBA Mutation Classification guidelines May 2016. Collection method: clinical testing. Allele origin: germline.

Literature cited by the submitters: PubMed 21638052 (cited by 3 submitters); PubMed 32398771 (cited by Ambry Genetics and Color Diagnostics, LLC DBA Color Health); PubMed 32782288 (cited by 3 submitters); PubMed 33469799 (cited by Ambry Genetics and Color Diagnostics, LLC DBA Color Health); PubMed 29446198 (cited by 3 submitters); PubMed 32853339 (cited by 3 submitters); PubMed 31131967 (cited by 3 submitters); PubMed 17576681 (cited by Labcorp Genetics (formerly Invitae), Labcorp); PubMed 9536098 (cited by Labcorp Genetics (formerly Invitae), Labcorp); PubMed 30927264 (cited by Women's Health and Genetics/Laboratory Corporation of America, LabCorp); PubMed 31125106 (cited by Women's Health and Genetics/Laboratory Corporation of America, LabCorp); PubMed 33471991 (cited by Color Diagnostics, LLC DBA Color Health).

NM_000059.4(BRCA2):c.425G>A (p.Ser142Asn)

Gene: BRCA2 (BRCA2 DNA repair associated; plus strand). Cytogenetic location: 13q13.1.
Variant type: single nucleotide variant.
Coding change: c.425G>A on transcript NM_000059.4 (MANE Select); coding-DNA position 425, G replaced by A.
Protein change: p.Ser142Asn; replaces serine 142 with asparagine.
Molecular consequence: missense variant.
Genome position (GRCh38, 1-based): chr13:32,325,184, G>A. VCF-style: chr13-32325184-G-A. GRCh37 (hg19) VCF-style: chr13-32899321-G-A.
Other names: short protein forms S142N.
Identifiers: ClinVar variation 197099 (VCV000197099.31), dbSNP rs397507713, ClinGen allele CA019818.